The following is an entry in ClinVar:

NM_194248.3(OTOF):c.3628C>A (p.Arg1210=)

Gene: OTOF (otoferlin; minus strand). Cytogenetic location: 2p23.3.
Variant type: single nucleotide variant.
Coding change: c.3628C>A on transcript NM_194248.3 (MANE Select); coding-DNA position 3628, C replaced by A.
Protein change: p.Arg1210=; no amino-acid change (arginine 1210 retained).
Molecular consequence: synonymous variant.
Genome position (GRCh38, 1-based): chr2:26,473,237, G>T on the plus strand (C>A on the coding strand, the complement: OTOF is on the minus strand). VCF-style: chr2-26473237-G-T. GRCh37 (hg19) VCF-style: chr2-26696105-G-T.
Other names: c.3628C>A, p.Arg1210= (NM_001287489.2); c.1387C>A, p.Arg463= (NM_004802.4, NM_194323.3); c.1558C>A, p.Arg520= (NM_194322.3).
Identifiers: ClinVar variation 48220 (VCV000048220.5), dbSNP rs397517945, ClinGen allele CA142859.

ClinVar aggregate classification (germline): Likely benign (1 of 4 stars; one submission).

gnomAD v4.1: 31 of 1,613,260 alleles (0.0019%); highest among the groups gnomAD compares: Non-Finnish European, 0.0025%; no homozygotes.

Submission:

Laboratory for Molecular Medicine, Mass General Brigham Personalized Medicine
Classification: Likely benign. Last evaluated: 2012-04-11. Review status: criteria provided, single submitter. Criteria: LMM Criteria. Collection method: clinical testing. Allele origin: germline. Observed: 2 variant alleles.
Comment: Arg1210Arg in exon 29 of OTOF: This variant is not expected to have clinical sig nificance because it does not alter an amino acid residue and is not located wit hin the splice consensus sequence.